The following is an entry in ClinVar:

NM_000257.4(MYH7):c.5453G>A (p.Arg1818Gln)

Gene: MYH7 (myosin heavy chain 7; minus strand). Cytogenetic location: 14q11.2.
Variant type: single nucleotide variant.
Coding change: c.5453G>A on transcript NM_000257.4 (MANE Select); coding-DNA position 5453, G replaced by A.
Protein change: p.Arg1818Gln; replaces arginine 1818 with glutamine.
Molecular consequence: missense variant.
Genome position (GRCh38, 1-based): chr14:23,415,101, C>T on the plus strand (G>A on the coding strand, the complement: MYH7 is on the minus strand). VCF-style: chr14-23415101-C-T. GRCh37 (hg19) VCF-style: chr14-23884310-C-T.
Other names: p.R1818Q:CGG>CAG; c.5453G>A (LRG_384t1); short protein forms R1818Q.
Identifiers: ClinVar variation 181281 (VCV000181281.59), dbSNP rs730880819, ClinGen allele CA016119.

ClinVar aggregate classification (germline): Uncertain significance. Review status: criteria provided, multiple submitters, no conflicts (2 of 4 stars). 8 submissions from 8 submitters: Uncertain significance (8). Last evaluated 2025-07-24.

Conditions:
Cardiovascular phenotype. Identifiers: MedGen CN230736.
Cardiomyopathy (CMYO). Also called: Cardiomyopathies. Identifiers: Orphanet 167848, MedGen C0878544, MONDO:0004994, HP:0001638. Inheritance: Various modes of inheritance.
Hypertrophic cardiomyopathy. Also called: HYPERTROPHIC MYOCARDIOPATHY. Identifiers: Orphanet 217569, MedGen C0007194, MeSH D002312, MONDO:0005045, HP:0001639.

Allele frequency attached by ClinVar (database versions not stated): gnomAD exomes below 0.00001; gnomAD 0.00001; TOPMed 0.00002.
gnomAD v4.1: 6 of 1,613,970 alleles (0.00037%); highest among the groups gnomAD compares: East Asian, 0.0022%; no homozygotes.

Submissions (8):

Molecular Diagnostic Laboratory for Inherited Cardiovascular Disease, Montreal Heart Institute
Classification: Uncertain significance for Cardiovascular phenotype. Last evaluated: 2025-07-24. Review status: criteria provided, single submitter. Criteria: ACMG Guidelines, 2015. Collection method: clinical testing. Allele origin: germline. Affected: yes.
Comment: PM2

Ambry Genetics
Classification: Uncertain significance for Cardiovascular phenotype. Last evaluated: 2024-10-10. Review status: criteria provided, single submitter. Criteria: Ambry Variant Classification Scheme 2023. Collection method: clinical testing. Allele origin: germline.
Comment: The p.R1818Q variant (also known as c.5453G>A), located in coding exon 35 of the MYH7 gene, results from a G to A substitution at nucleotide position 5453. The arginine at codon 1818 is replaced by glutamine, an amino acid with highly similar properties. This amino acid position is well conserved in available vertebrate species. In addition, the in silico prediction for this alteration is inconclusive. Based on the available evidence, the clinical significance of this variant remains unclear.

Labcorp Genetics (formerly Invitae), Labcorp
Classification: Uncertain significance for Hypertrophic cardiomyopathy. Last evaluated: 2024-07-03. Review status: criteria provided, single submitter. Criteria: Invitae Variant Classification Sherloc (09022015). Collection method: clinical testing. Allele origin: germline.
Comment: This sequence change replaces arginine, which is basic and polar, with glutamine, which is neutral and polar, at codon 1818 of the MYH7 protein (p.Arg1818Gln). This variant is present in population databases (rs730880819, gnomAD 0.005%). This variant has not been reported in the literature in individuals affected with MYH7-related conditions. ClinVar contains an entry for this variant (Variation ID: 181281). Advanced modeling of protein sequence and biophysical properties (such as structural, functional, and spatial information, amino acid conservation, physicochemical variation, residue mobility, and thermodynamic stability) performed at Invitae indicates that this missense variant is expected to disrupt MYH7 protein function with a positive predictive value of 95%. In summary, the available evidence is currently insufficient to determine the role of this variant in disease. Therefore, it has been classified as a Variant of Uncertain Significance.

All of Us Research Program, National Institutes of Health
Classification: Uncertain significance for Cardiomyopathy. Last evaluated: 2024-05-30. Review status: criteria provided, single submitter. Criteria: ACMG Guidelines, 2015. Collection method: clinical testing. Allele origin: germline. Inheritance: Autosomal dominant inheritance. Observed: 1 variant allele, 1 heterozygote.
Comment: This missense variant replaces arginine with glutamine at codon 1818 of the MYH7 protein. Computational prediction is inconclusive regarding the impact of this variant on protein structure and function (internally defined REVEL score threshold 0.5 < inconclusive < 0.7, PMID: 27666373). To our knowledge, functional studies have not been reported for this variant. This variant has not been reported in individuals affected with MYH7-related disorders in the literature. This variant has been identified in 2/282796 chromosomes in the general population by the Genome Aggregation Database (gnomAD). The available evidence is insufficient to determine the role of this variant in disease conclusively. Therefore, this variant is classified as a Variant of Uncertain Significance.

This study involves interpretation of variants in research participants for the purpose of population health screening. Participant phenotype was not available at the time of variant classification. Additional details can be found in publication PMID: 35346344, PMCID: PMC8962531

Color Diagnostics, LLC DBA Color Health
Classification: Uncertain significance for Cardiomyopathy. Last evaluated: 2024-05-14. Review status: criteria provided, single submitter. Criteria: ACMG Guidelines, 2015. Collection method: clinical testing. Allele origin: germline.
Comment: This missense variant replaces arginine with glutamine at codon 1818 of the MYH7 protein. Computational prediction is inconclusive regarding the impact of this variant on protein structure and function. To our knowledge, functional studies have not been reported for this variant. This variant has not been reported in individuals affected with MYH7-related disorders in the literature. This variant has been identified in 2/282796 chromosomes in the general population by the Genome Aggregation Database (gnomAD). The available evidence is insufficient to determine the role of this variant in disease conclusively. Therefore, this variant is classified as a Variant of Uncertain Significance.

Revvity Omics, Revvity
Classification: Uncertain significance. Last evaluated: 2019-06-12. Review status: criteria provided, single submitter. Criteria: ACMG Guidelines, 2015. Collection method: clinical testing. Allele origin: germline.

CeGaT Center for Human Genetics Tuebingen
Classification: Uncertain significance. Last evaluated: 2019-06-01. Review status: criteria provided, single submitter. Criteria: CeGaT Center For Human Genetics Tuebingen Variant Classification Criteria Version 2. Collection method: clinical testing. Allele origin: germline. Affected: yes. Observed: 1 variant allele.

GeneDx
Classification: Uncertain significance. Last evaluated: 2015-08-07. Review status: criteria provided, single submitter. Criteria: GeneDx Variant Classification (06012015). Collection method: clinical testing. Allele origin: germline. Affected: yes.
Comment: p.Arg1818Gln (CGG>CAG): c.5453 G>A in exon 37 of the MYH7 gene (NM_000257.2). A variant of unknown significance has been identified in the MYH7 gene. The R1818Q variant has not been published as a mutation, nor has it been reported as a benign polymorphism to our knowledge. It was not observed in approximately 6,500 individuals of European and African American ancestry in the NHLBI Exome Sequencing Project, indicating it is not a common benign variant in these populations. The R1818Q variant is a semi-conservative amino acid substitution, which may impact secondary protein structure as these residues differ in some properties. This substitution occurs at a position that is conserved across species, and in silico analysis predicts this variant is probably damaging to the protein structure/function. Furthermore, missense mutations in nearby residues (G1808A, E1829G) have been reported in association with HCM, supporting the functional importance of this region of the protein. Therefore, based on the currently available information, it is unclear whether this variant is a pathogenic mutation or a rare benign variant. The variant is found in HCM panel(s).